The following is an entry in ClinVar:

ClinVar aggregate classification (germline): Conflicting classifications of pathogenicity. Review status: criteria provided, conflicting classifications (1 of 4 stars). 3 submissions from 3 submitters: Uncertain significance (1); Likely benign (1). 1 of the submissions does not count toward it. Last evaluated 2025-02-05.

Conditions:
Microphthalmia, syndromic 9. Also called: ANOPHTHALMIA, CLINICAL, WITH MILD FACIAL DYSMORPHISM AND VARIABLE MALFORMATIONS OF THE LUNG, HEART, AND DIAPHRAGM; ANOPHTHALMIA/MICROPHTHALMIA AND PULMONARY HYPOPLASIA; Matthew-Wood syndrome; PULMONARY AGENESIS, MICROPHTHALMIA, AND DIAPHRAGMATIC DEFECT; SPEAR SYNDROME. Identifiers: Orphanet 2470, MedGen C1832661, MONDO:0011010, OMIM 601186.
STRA6-related disorder. Also called: STRA6-related condition.
Inborn genetic diseases. Identifiers: MedGen C0950123, MeSH D030342.

Allele frequency attached by ClinVar (database versions not stated): ExAC 0.00047; gnomAD 0.00064 and 0.00070; TOPMed 0.00065; 1000 Genomes Project 0.00080; 1000 Genomes Project 30x 0.00094.
gnomAD v4.1: 177 of 1,550,562 alleles (0.011%); highest among the groups gnomAD compares: African/African-American, 0.22%; no homozygotes.

Submissions (4):

Ambry Genetics
Classification: Uncertain significance for Inborn genetic diseases. Last evaluated: 2025-02-05. Review status: criteria provided, single submitter. Criteria: Ambry Variant Classification Scheme 2023. Collection method: clinical testing. Allele origin: germline.

Labcorp Genetics (formerly Invitae), Labcorp
Classification: Likely benign for Microphthalmia, syndromic 9. Last evaluated: 2022-03-13. Review status: criteria provided, single submitter. Criteria: Invitae Variant Classification Sherloc (09022015). Collection method: clinical testing. Allele origin: germline.

PreventionGenetics, part of Exact Sciences
Classification: Likely benign for STRA6-related condition. Last evaluated: 2022-07-06. Review status: no assertion criteria provided. Collection method: clinical testing. Allele origin: germline. Not counted in ClinVar's aggregate classification.
Comment: This variant is classified as likely benign based on ACMG/AMP sequence variant interpretation guidelines (Richards et al. 2015 PMID: 25741868, with internal and published modifications).

Dr. Peter K. Rogan Lab, Western University
No classification provided (evidence only). Condition: Cervical cancer. Review status: no classification provided. Collection method: in vitro. Allele origin: not applicable. Functional consequence: retained intron. Not counted in ClinVar's aggregate classification.

NM_022369.4(STRA6):c.239G>A (p.Cys80Tyr)

Gene: STRA6 (signaling receptor and transporter of retinol STRA6; minus strand). Cytogenetic location: 15q24.1.
Variant type: single nucleotide variant.
Coding change: c.239G>A on transcript NM_022369.4 (MANE Select); coding-DNA position 239, G replaced by A.
Protein change: p.Cys80Tyr; replaces cysteine 80 with tyrosine.
Molecular consequence: missense variant.
Genome position (GRCh38, 1-based): chr15:74,197,365, C>T on the plus strand (G>A on the coding strand, the complement: STRA6 is on the minus strand). VCF-style: chr15-74197365-C-T. GRCh37 (hg19) VCF-style: chr15-74489706-C-T.
Other names: c.239G>A, p.Cys80Tyr (NM_001142617.2, NM_001142618.2, NM_001142619.2 and 1 more transcripts); c.350G>A, p.Cys117Tyr (NM_001199040.2); c.284G>A, p.Cys95Tyr (NM_001199041.2); c.356G>A, p.Cys119Tyr (NM_001199042.2); short protein forms C117Y, C95Y, C119Y, C80Y.
Identifiers: ClinVar variation 800267 (VCV000800267.13), dbSNP rs180889966, ClinGen allele CA7655053.